The following is an entry in ClinVar:

ClinVar aggregate classification (germline): Likely benign. Review status: criteria provided, single submitter (1 of 4 stars). 2 submissions from 2 submitters: Likely benign (1). 1 of the submissions does not count toward it. Last evaluated 2025-12-16.

Conditions:
NEFH-related disorder. Also called: NEFH-related condition.

Allele frequency attached by ClinVar (database versions not stated): ExAC 0.00002; gnomAD exomes 0.00003; gnomAD 0.00004.

Submissions (2):

Labcorp Genetics (formerly Invitae), Labcorp
Classification: Likely benign. Last evaluated: 2025-12-16. Review status: criteria provided, single submitter. Criteria: Invitae Variant Classification Sherloc (09022015). Collection method: clinical testing. Allele origin: germline.

PreventionGenetics, part of Exact Sciences
Classification: Likely benign for NEFH-related condition. Last evaluated: 2022-10-19. Review status: no assertion criteria provided. Collection method: clinical testing. Allele origin: germline. Not counted in ClinVar's aggregate classification.
Comment: This variant is classified as likely benign based on ACMG/AMP sequence variant interpretation guidelines (Richards et al. 2015 PMID: 25741868, with internal and published modifications).

NM_021076.4(NEFH):c.1626C>T (p.Ala542=)

Gene: NEFH (neurofilament heavy chain; plus strand). Cytogenetic location: 22q12.2.
Variant type: single nucleotide variant.
Coding change: c.1626C>T on transcript NM_021076.4 (MANE Select); coding-DNA position 1626, C replaced by T.
Protein change: p.Ala542=; no amino-acid change (alanine 542 retained).
Molecular consequence: synonymous variant.
Genome position (GRCh38, 1-based): chr22:29,489,266, C>T. VCF-style: chr22-29489266-C-T. GRCh37 (hg19) VCF-style: chr22-29885255-C-T.
Other names: c.1626C>T (NM_021076.3).
Identifiers: ClinVar variation 1633229 (VCV001633229.10), dbSNP rs747901802, ClinGen allele CA10174243.